The following is an entry in ClinVar:

NM_001005242.3(PKP2):c.1732C>T (p.Leu578Phe)

Gene: PKP2 (plakophilin 2; minus strand). Cytogenetic location: 12p11.21.
Variant type: single nucleotide variant.
Coding change: c.1732C>T on transcript NM_001005242.3 (MANE Select); coding-DNA position 1732, C replaced by T.
Protein change: p.Leu578Phe; replaces leucine 578 with phenylalanine.
Molecular consequence: missense variant. On other transcripts: intron variant (1).
Genome position (GRCh38, 1-based): chr12:32,822,574, G>A on the plus strand (C>T on the coding strand, the complement: PKP2 is on the minus strand). VCF-style: chr12-32822574-G-A. GRCh37 (hg19) VCF-style: chr12-32975508-G-A.
Other names: c.1732C>T, p.Leu578Phe (NM_001407155.1, NM_001407161.1); c.1864C>T, p.Leu622Phe (NM_001407157.1, NM_004572.4); c.1405C>T, p.Leu469Phe (NM_001407158.1, NM_001407159.1, NM_001407160.1 and 1 more transcripts); c.1675-1045C>T (NM_001407156.1); short protein forms L622F, L469F, L578F.
Identifiers: ClinVar variation 2841805 (VCV002841805.3), dbSNP rs2541231885, ClinGen allele CA384363280.

ClinVar aggregate classification (germline): Uncertain significance (1 of 4 stars; one submission).

Conditions:
Arrhythmogenic right ventricular dysplasia 9 (ARVD9). Also called: Arrhythmogenic Right Ventricular Dysplasia/Cardiomyopathy 9; ARRHYTHMOGENIC RIGHT VENTRICULAR DYSPLASIA, FAMILIAL, 9. Identifiers: MedGen C1836906, MONDO:0012180, OMIM 609040.

gnomAD v4.1: 1 of 1,613,978 alleles (0.000062%); highest among the groups gnomAD compares: Non-Finnish European, 0.000085%; no homozygotes.

Submission:

Labcorp Genetics (formerly Invitae), Labcorp
Classification: Uncertain significance for Arrhythmogenic right ventricular dysplasia 9. Last evaluated: 2023-09-26. Review status: criteria provided, single submitter. Criteria: Invitae Variant Classification Sherloc (09022015). Collection method: clinical testing. Allele origin: germline.
Comment: In summary, the available evidence is currently insufficient to determine the role of this variant in disease. Therefore, it has been classified as a Variant of Uncertain Significance. An algorithm developed to predict the effect of missense changes on protein structure and function (PolyPhen-2) suggests that this variant is likely to be disruptive. This variant has not been reported in the literature in individuals affected with PKP2-related conditions. This variant is not present in population databases (gnomAD no frequency). This sequence change replaces leucine, which is neutral and non-polar, with phenylalanine, which is neutral and non-polar, at codon 622 of the PKP2 protein (p.Leu622Phe).